The following is an entry in ClinVar:

NM_001308120.2(TOGARAM1):c.2016C>T (p.Asn672=)

Gene: TOGARAM1 (TOG array regulator of axonemal microtubules 1; plus strand). Cytogenetic location: 14q21.2.
Variant type: single nucleotide variant.
Coding change: c.2016C>T on transcript NM_001308120.2 (MANE Select); coding-DNA position 2016, C replaced by T.
Protein change: p.Asn672=; no amino-acid change (asparagine 672 retained).
Molecular consequence: synonymous variant. On other transcripts: non-coding transcript variant (1).
Genome position (GRCh38, 1-based): chr14:44,964,437, C>T. VCF-style: chr14-44964437-C-T. GRCh37 (hg19) VCF-style: chr14-45433640-C-T.
Other names: c.2016C>T, p.Asn672= (NM_015091.4).
Identifiers: ClinVar variation 2644201 (VCV002644201.24), dbSNP rs146425772, ClinGen allele CA7167159.

ClinVar aggregate classification (germline): Likely benign (1 of 4 stars; one submission).

Allele frequency attached by ClinVar (database versions not stated): 1000 Genomes Project 30x 0.00078; TOPMed 0.00095; 1000 Genomes Project 0.00100; ESP Exome Variant Server 0.00161; gnomAD 0.00181; gnomAD exomes 0.00201; ExAC 0.00235.
gnomAD v4.1: 3,135 of 1,596,658 alleles (0.2%); highest among the groups gnomAD compares: Non-Finnish European, 0.19%; 12 homozygotes.

Submission:

CeGaT Center for Human Genetics Tuebingen
Classification: Likely benign. Last evaluated: 2026-01-01. Review status: criteria provided, single submitter. Criteria: CeGaT Center For Human Genetics Tuebingen Variant Classification Criteria Version 2. Collection method: clinical testing. Allele origin: germline. Affected: yes. Observed: 4 variant alleles.
Comment: TOGARAM1: BP4, BP7